The following is an entry in ClinVar:

ClinVar aggregate classification (germline): Benign (0 of 4 stars; one submission).

Conditions:
PPFIA1-related disorder. Also called: PPFIA1-related condition.

Allele frequency attached by ClinVar (database versions not stated): ESP Exome Variant Server 0.00092; gnomAD exomes 0.00333; gnomAD 0.00653; ExAC 0.01129; TOPMed 0.01204; 1000 Genomes Project 0.01597; 1000 Genomes Project 30x 0.01749.
gnomAD v4.1: 5,856 of 1,613,520 alleles (0.36%); highest among the groups gnomAD compares: Admixed American, 9%; 305 homozygotes.

Submission:

PreventionGenetics, part of Exact Sciences
Classification: Benign for PPFIA1-related condition. Last evaluated: 2019-07-01. Review status: no assertion criteria provided. Collection method: clinical testing. Allele origin: germline.
Comment: This variant is classified as benign based on ACMG/AMP sequence variant interpretation guidelines (Richards et al. 2015 PMID: 25741868, with internal and published modifications).

NM_003626.5(PPFIA1):c.3276A>G (p.Ala1092=)

Genes: CTTN-DT (CTTN divergent transcript; minus strand), PPFIA1 (PTPRF interacting protein alpha 1; plus strand). Cytogenetic location: 11q13.3.
Variant type: single nucleotide variant.
Coding change: c.3276A>G on transcript NM_003626.5 (MANE Select); coding-DNA position 3276, A replaced by G.
Protein change: p.Ala1092=; no amino-acid change (alanine 1092 retained).
Molecular consequence: synonymous variant. On other transcripts: non-coding transcript variant (1).
Genome position (GRCh38, 1-based): chr11:70,375,054, A>G. VCF-style: chr11-70375054-A-G. GRCh37 (hg19) VCF-style: chr11-70221160-A-G.
Other names: c.3471A>G, p.Ala1157= (NM_001378006.1); c.3276A>G, p.Ala1092= (NM_177423.3).
Identifiers: ClinVar variation 3044443 (VCV003044443.2), dbSNP rs140582605, ClinGen allele CA6159629.